The following is an entry in ClinVar:

NM_001851.6(COL9A1):c.757C>A (p.His253Asn)

Gene: COL9A1 (collagen type IX alpha 1 chain; minus strand). Cytogenetic location: 6q13.
Variant type: single nucleotide variant.
Coding change: c.757C>A on transcript NM_001851.6 (MANE Select); coding-DNA position 757, C replaced by A.
Protein change: p.His253Asn; replaces histidine 253 with asparagine.
Molecular consequence: missense variant.
Genome position (GRCh38, 1-based): chr6:70,283,760, G>T on the plus strand (C>A on the coding strand, the complement: COL9A1 is on the minus strand). VCF-style: chr6-70283760-G-T. GRCh37 (hg19) VCF-style: chr6-70993463-G-T.
Other names: c.757C>A, p.His253Asn (NM_001377291.1); short protein forms H253N.
Identifiers: ClinVar variation 1968103 (VCV001968103.3), dbSNP rs769216302, ClinGen allele CA3882729.

ClinVar aggregate classification (germline): Uncertain significance (1 of 4 stars; one submission).

Allele frequency attached by ClinVar (database versions not stated): ExAC 0.00001; gnomAD exomes 0.00001.
gnomAD v4.1: 9 of 1,611,982 alleles (0.00056%); highest among the groups gnomAD compares: South Asian, 0.0089%; no homozygotes.

Submission:

Labcorp Genetics (formerly Invitae), Labcorp
Classification: Uncertain significance. Last evaluated: 2022-01-05. Review status: criteria provided, single submitter. Criteria: Invitae Variant Classification Sherloc (09022015). Collection method: clinical testing. Allele origin: germline.
Comment: In summary, the available evidence is currently insufficient to determine the role of this variant in disease. Therefore, it has been classified as a Variant of Uncertain Significance. Advanced modeling of protein sequence and biophysical properties (such as structural, functional, and spatial information, amino acid conservation, physicochemical variation, residue mobility, and thermodynamic stability) performed at Invitae indicates that this missense variant is not expected to disrupt COL9A1 protein function. This variant has not been reported in the literature in individuals affected with COL9A1-related conditions. The frequency data for this variant in the population databases is considered unreliable, as metrics indicate poor data quality at this position in the gnomAD database. This sequence change replaces histidine, which is basic and polar, with asparagine, which is neutral and polar, at codon 253 of the COL9A1 protein (p.His253Asn).